The following is an entry in ClinVar:

ClinVar aggregate classification (germline): Likely pathogenic. Review status: criteria provided, multiple submitters, no conflicts (2 of 4 stars). 4 submissions from 4 submitters: Likely pathogenic (2). 2 of the submissions do not count toward it. Last evaluated 2024-12-19.

Conditions:
Prelingual sensorineural hearing impairment. Identifiers: MedGen C4021806, HP:0000399.
Hearing loss, autosomal recessive 110. Also called: DEAFNESS, AUTOSOMAL RECESSIVE 110. Identifiers: MedGen C4748162, MONDO:0054860, OMIM 618094.
Autosomal dominant nonsyndromic hearing loss 9. Identifiers: Orphanet 90635, MedGen C1832425, MONDO:0011058, OMIM 601369.

Allele frequency attached by ClinVar (database versions not stated): ExAC 0.00001; gnomAD 0.00001; gnomAD exomes 0.00001; TOPMed 0.00001.

Submissions (4):

Genomic Medicine Center of Excellence, King Faisal Specialist Hospital and Research Centre
Classification: Likely pathogenic for Autosomal dominant nonsyndromic hearing loss 9. Last evaluated: 2024-12-19. Review status: criteria provided, single submitter. Criteria: ACMG Guidelines, 2015. Collection method: clinical testing. Allele origin: germline.

GeneDx
Classification: Likely pathogenic. Last evaluated: 2022-06-21. Review status: criteria provided, single submitter. Criteria: GeneDx Variant Classification Process June 2021. Collection method: clinical testing. Allele origin: germline. Affected: yes.
Comment: Nonsense variant predicted to result in protein truncation or nonsense mediated decay in a gene for which loss of function is a known mechanism of disease; This variant is associated with the following publications: (PMID: 29449720, 34426522, 31126177, 32939038, 32562050, 29449721)

OMIM
Classification: Pathogenic for DEAFNESS, AUTOSOMAL RECESSIVE 110 (1 family). Last evaluated: 2018-08-29. Review status: no assertion criteria provided. Collection method: literature only. Allele origin: germline. Not counted in ClinVar's aggregate classification.

Department of Medical Genetics - UZA, Antwerp University Hospital
Classification: Pathogenic for Prelingual sensorineural hearing impairment. Last evaluated: 2017-06-14. Review status: no assertion criteria provided. Collection method: clinical testing. Allele origin: inherited. Inheritance: Autosomal recessive inheritance. Affected: yes. Observed: 2 heterozygotes, 2 homozygotes. Clinical features observed: Prelingual sensorineural hearing impairment. Not counted in ClinVar's aggregate classification.
Comment: The c.292C>T (p.Arg98*) was found in homozygous state in two brothers with hearing loss. Heterozygotes show no hearing loss. RNA analysis shows NMD

Literature cited by the submitters: PubMed 29449721 (cited by OMIM and Department of Medical Genetics - UZA, Antwerp University Hospital).

NM_004086.3(COCH):c.292C>T (p.Arg98Ter)

Genes: COCH (cochlin; plus strand), COCH-AS1 (COCH antisense RNA 1; minus strand). Cytogenetic location: 14q12.
Variant type: single nucleotide variant.
Coding change: c.292C>T on transcript NM_004086.3 (MANE Select); coding-DNA position 292, C replaced by T.
Protein change: p.Arg98Ter; replaces arginine 98 with a stop codon.
Molecular consequence: nonsense.
Genome position (GRCh38, 1-based): chr14:30,878,863, C>T. VCF-style: chr14-30878863-C-T. GRCh37 (hg19) VCF-style: chr14-31348069-C-T.
Other names: c.292C>T, p.Arg98Ter (NM_001135058.2); c.487C>T, p.Arg163Ter (NM_001347720.2); short protein forms R98*, R163*.
Identifiers: ClinVar variation 431458 (VCV000431458.4), dbSNP rs756790858, ClinGen allele CA7142993.